The following is an entry in ClinVar:

NM_014476.6(PDLIM3):c.979C>G (p.Leu327Val)

Gene: PDLIM3 (PDZ and LIM domain 3; minus strand). Cytogenetic location: 4q35.1.
Variant type: single nucleotide variant.
Coding change: c.979C>G on transcript NM_014476.6 (MANE Select); coding-DNA position 979, C replaced by G.
Protein change: p.Leu327Val; replaces leucine 327 with valine.
Molecular consequence: missense variant. On other transcripts: non-coding transcript variant (1).
Genome position (GRCh38, 1-based): chr4:185,502,410, G>C on the plus strand (C>G on the coding strand, the complement: PDLIM3 is on the minus strand). VCF-style: chr4-185502410-G-C. GRCh37 (hg19) VCF-style: chr4-186423564-G-C.
Other names: c.835C>G, p.Leu279Val (NM_001114107.5); c.715C>G, p.Leu239Val (NM_001257962.2); c.478C>G, p.Leu160Val (NM_001257963.2); short protein forms L160V, L327V, L239V, L279V.
Identifiers: ClinVar variation 1768220 (VCV001768220.5), dbSNP rs1228328230, ClinGen allele CA358919560.

ClinVar aggregate classification (germline): Uncertain significance. Review status: criteria provided, multiple submitters, no conflicts (2 of 4 stars). 2 submissions from 2 submitters: Uncertain significance (2). Last evaluated 2025-09-10.

Conditions:
Hypertrophic cardiomyopathy. Also called: HYPERTROPHIC MYOCARDIOPATHY. Identifiers: Orphanet 217569, MedGen C0007194, MeSH D002312, MONDO:0005045, HP:0001639.
Primary dilated cardiomyopathy (DCM). Also called: Dilated Cardiomyopathy. Identifiers: Orphanet 217604, MedGen C0007193, MeSH D002311, MONDO:0005021, HP:0001644. Inheritance: Various modes of inheritance.

Allele frequency attached by ClinVar (database versions not stated): gnomAD 0.00001; gnomAD exomes below 0.00001; TOPMed 0.00001.

Submissions (2):

Labcorp Genetics (formerly Invitae), Labcorp
Classification: Uncertain significance for Hypertrophic cardiomyopathy; Primary dilated cardiomyopathy. Last evaluated: 2025-09-10. Review status: criteria provided, single submitter. Criteria: Invitae Variant Classification Sherloc (09022015). Collection method: clinical testing. Allele origin: germline.
Comment: This sequence change replaces leucine, which is neutral and non-polar, with valine, which is neutral and non-polar, at codon 327 of the PDLIM3 protein (p.Leu327Val). This variant is not present in population databases (gnomAD no frequency). This variant has not been reported in the literature in individuals affected with PDLIM3-related conditions. ClinVar contains an entry for this variant (Variation ID: 1768220). Invitae Evidence Modeling of protein sequence and biophysical properties (such as structural, functional, and spatial information, amino acid conservation, physicochemical variation, residue mobility, and thermodynamic stability) indicates that this missense variant is expected to disrupt PDLIM3 protein function with a positive predictive value of 80%. In summary, the available evidence is currently insufficient to determine the role of this variant in disease. Therefore, it has been classified as a Variant of Uncertain Significance.

Ambry Genetics
Classification: Uncertain significance. Last evaluated: 2025-05-03. Review status: criteria provided, single submitter. Criteria: Ambry Variant Classification Scheme 2023. Collection method: clinical testing. Allele origin: germline.
Comment: The p.L327V variant (also known as c.979C>G), located in coding exon 8 of the PDLIM3 gene, results from a C to G substitution at nucleotide position 979. The leucine at codon 327 is replaced by valine, an amino acid with highly similar properties. This amino acid position is conserved. In addition, this alteration is predicted to be deleterious by in silico analysis. Since supporting evidence is limited at this time, the clinical significance of this alteration remains unclear.